The following is an entry in ClinVar:

NM_001100913.3(PACS2):c.1827C>T (p.Tyr609=)

Gene: PACS2 (phosphofurin acidic cluster sorting protein 2; plus strand). Cytogenetic location: 14q32.33.
Variant type: single nucleotide variant.
Coding change: c.1827C>T on transcript NM_001100913.3 (MANE Select); coding-DNA position 1827, C replaced by T.
Protein change: p.Tyr609=; no amino-acid change (tyrosine 609 retained).
Molecular consequence: synonymous variant.
Genome position (GRCh38, 1-based): chr14:105,384,399, C>T. VCF-style: chr14-105384399-C-T. GRCh37 (hg19) VCF-style: chr14-105850736-C-T.
Other names: c.1590C>T, p.Tyr530= (NM_001243127.3); c.1815C>T, p.Tyr605= (NM_015197.4).
Identifiers: ClinVar variation 1170235 (VCV001170235.39), dbSNP rs143071112, ClinGen allele CA7389013.

ClinVar aggregate classification (germline): Benign/Likely benign. Review status: criteria provided, multiple submitters, no conflicts (2 of 4 stars). 2 submissions from 2 submitters: Benign (1); Likely benign (1). Last evaluated 2026-07-01.

Allele frequency attached by ClinVar (database versions not stated): ExAC 0.00420; gnomAD exomes 0.00423 and 0.00351; 1000 Genomes Project 30x 0.00172; 1000 Genomes Project 0.00180; TOPMed 0.00309; gnomAD 0.00327 and 0.00338; ESP Exome Variant Server 0.00361.
gnomAD v4.1: 6,654 of 1,612,514 alleles (0.41%); highest among the groups gnomAD compares: Non-Finnish European, 0.49%; 21 homozygotes.

Submissions (2):

CeGaT Center for Human Genetics Tuebingen
Classification: Likely benign. Last evaluated: 2026-07-01. Review status: criteria provided, single submitter. Criteria: CeGaT Center For Human Genetics Tuebingen Variant Classification Criteria Version 2. Collection method: clinical testing. Allele origin: germline. Affected: yes. Observed: 41 variant alleles.
Comment: PACS2: BS2

Labcorp Genetics (formerly Invitae), Labcorp
Classification: Benign. Last evaluated: 2026-02-03. Review status: criteria provided, single submitter. Criteria: Invitae Variant Classification Sherloc (09022015). Collection method: clinical testing. Allele origin: germline.